The following is an entry in ClinVar:

NC_000022.10:g.(?_33670413)_(33828271_?)del

Gene: LARGE1 (LARGE xylosyl- and glucuronyltransferase 1; minus strand). Cytogenetic location: 22q12.3.
Variant type: Deletion.
Identifiers: ClinVar variation 3247669 (VCV003247669.1).

ClinVar aggregate classification (germline): Pathogenic (1 of 4 stars; one submission).

Conditions:
Muscular dystrophy-dystroglycanopathy type B6 (MDDGB6). Also called: MUSCULAR DYSTROPHY-DYSTROGLYCANOPATHY (CONGENITAL WITH IMPAIRED INTELLECTUAL DEVELOPMENT), TYPE B, 6; MUSCULAR DYSTROPHY, CONGENITAL, LARGE-RELATED; MUSCULAR DYSTROPHY, CONGENITAL, TYPE 1D. Identifiers: MedGen C1837229, MONDO:0012138, OMIM 608840.

Submission:

Labcorp Genetics (formerly Invitae), Labcorp
Classification: Pathogenic for Muscular dystrophy-dystroglycanopathy type B6. Last evaluated: 2023-11-02. Review status: criteria provided, single submitter. Criteria: Invitae Variant Classification Sherloc (09022015). Collection method: clinical testing. Allele origin: unknown.
Comment: This variant is a gross deletion of the genomic region encompassing exon(s) 8-16 of the LARGE1 gene, which includes the termination codon. This deletion extends beyond the assayed region for this gene and therefore may encompass additional genes. While this deletion is not anticipated to lead to nonsense mediated decay, it is expected to alter mRNA translation or result in a truncated protein product. This variant has not been reported in the literature in individuals affected with LARGE1-related conditions. This variant disrupts a region of the LARGE1 protein in which other variant(s) ( p.Cys667Leufs*28) have been determined to be pathogenic (PMID: 12966029). This suggests that this is a clinically significant region of the protein, and that variants that disrupt it are likely to be disease-causing. For these reasons, this variant has been classified as Pathogenic.

Literature cited by the submitters: PubMed 12966029.